The following is an entry in ClinVar:

ClinVar aggregate classification (germline): Benign/Likely benign. Review status: criteria provided, multiple submitters, no conflicts (2 of 4 stars). 6 submissions from 6 submitters: Benign (2); Likely benign (2). 2 of the submissions do not count toward it. Last evaluated 2026-01-28.

Conditions:
LOXHD1-related disorder. Also called: LOXHD1-related condition.
Autosomal recessive nonsyndromic hearing loss 77. Identifiers: Orphanet 90636, MedGen C2746083, MONDO:0013119, OMIM 613079.

Allele frequency attached by ClinVar (database versions not stated): gnomAD exomes 0.00054 and 0.00111; ExAC 0.00226; gnomAD 0.00527 and 0.00548; TOPMed 0.00563; ESP Exome Variant Server 0.00591; 1000 Genomes Project 0.00719; 1000 Genomes Project 30x 0.00765.
gnomAD v4.1: 1,591 of 1,551,634 alleles (0.1%); highest among the groups gnomAD compares: African/African-American, 1.9%; 17 homozygotes.

Submissions (6):

Labcorp Genetics (formerly Invitae), Labcorp
Classification: Benign. Last evaluated: 2026-01-28. Review status: criteria provided, single submitter. Criteria: Invitae Variant Classification Sherloc (09022015). Collection method: clinical testing. Allele origin: germline.

GeneDx
Classification: Likely benign. Last evaluated: 2018-07-09. Review status: criteria provided, single submitter. Criteria: GeneDx Variant Classification Process June 2021. Collection method: clinical testing. Allele origin: germline. Affected: yes.

Laboratory for Molecular Medicine, Mass General Brigham Personalized Medicine
Classification: Benign. Last evaluated: 2012-05-07. Review status: criteria provided, single submitter. Criteria: LMM Criteria. Collection method: clinical testing. Allele origin: germline. Observed: 16 variant alleles.
Comment: "His1894His in Exon 36 of LOXHD1: This variant is not expected to have clinical significance because it does not alter an amino acid residue, is not located wit hin the splice consensus sequence, and has been identified in 2.1% (15/702) of A frican American chromosomes from a broad population by the NHLBI Exome Sequencin g Project (dbSNP rs114974101)."

Breakthrough Genomics
Classification: Likely benign. Review status: criteria provided, single submitter. Criteria: ACMG Guidelines, 2015. Collection method: not provided. Allele origin: germline. Inheritance: Autosomal recessive inheritance. Affected: yes.

PreventionGenetics, part of Exact Sciences
Classification: Benign for LOXHD1-related condition. Last evaluated: 2024-08-28. Review status: no assertion criteria provided. Collection method: clinical testing. Allele origin: germline. Not counted in ClinVar's aggregate classification.
Comment: This variant is classified as benign based on ACMG/AMP sequence variant interpretation guidelines (Richards et al. 2015 PMID: 25741868, with internal and published modifications).

Natera, Inc.
Classification: Benign for Autosomal recessive deafness type 77. Last evaluated: 2020-09-16. Review status: no assertion criteria provided. Collection method: clinical testing. Allele origin: germline. Not counted in ClinVar's aggregate classification.

NM_001384474.1(LOXHD1):c.5868C>T (p.His1956=)

Gene: LOXHD1 (lipoxygenase homology PLAT domains 1; minus strand). Cytogenetic location: 18q21.1.
Variant type: single nucleotide variant.
Coding change: c.5868C>T on transcript NM_001384474.1 (MANE Select); coding-DNA position 5868, C replaced by T.
Protein change: p.His1956=; no amino-acid change (histidine 1956 retained).
Molecular consequence: synonymous variant.
Genome position (GRCh38, 1-based): chr18:46,505,848, G>A on the plus strand (C>T on the coding strand, the complement: LOXHD1 is on the minus strand). VCF-style: chr18-46505848-G-A. GRCh37 (hg19) VCF-style: chr18-44085811-G-A.
Other names: c.2535C>T, p.His845= (NM_001145472.3); c.585C>T, p.His195= (NM_001145473.3, NM_001173129.2); c.2247C>T, p.His749= (NM_001308013.2); c.5682C>T, p.His1894= (NM_144612.7).
Identifiers: ClinVar variation 178613 (VCV000178613.20), dbSNP rs114974101, ClinGen allele CA182665.
Genomic context (GRCh38, chr18:46,505,848, plus strand): 5'-AGGGAGCTGAGGGCTGCCCTCCCACCAACCTGGCCTTGAGTGGGAGCTACCTTTGTTGTC[G>A]TGCCAGACCCTCAGCTTGCAGAGGTGGCCCAAGCTCAGCATGTCAGGGAAGTTGAATGTG-3'
Protein context (NP_001371403.1, residues 1946-1966): LGHLCKLRVW[His1956=]DNKGIFPGWH